The following is an entry in ClinVar:

ClinVar aggregate classification (germline): Uncertain significance (1 of 4 stars; one submission).

Conditions:
Myofibrillar myopathy 5. Also called: Filaminopathy (type); FILAMINOPATHY, AUTOSOMAL DOMINANT. Identifiers: Orphanet 171445, MedGen C1836050, MONDO:0012289, OMIM 609524.
Distal myopathy with posterior leg and anterior hand involvement. Also called: WILLIAMS DISTAL MYOPATHY. Identifiers: Orphanet 63273, MedGen C3279722, MONDO:0013550, OMIM 614065.
Hypertrophic cardiomyopathy 26. Also called: Cardiomyopathy, familial hypertrophic, 26. Identifiers: Orphanet 75249, MedGen C4310749, MONDO:0014883, OMIM 617047.

Allele frequency attached by ClinVar (database versions not stated): TOPMed below 0.00001; gnomAD 0.00001.
gnomAD v4.1: 1 of 1,613,866 alleles (0.000062%); highest among the groups gnomAD compares: Admixed American, 0.0017%; no homozygotes.

Submission:

Labcorp Genetics (formerly Invitae), Labcorp
Classification: Uncertain significance for Distal myopathy with posterior leg and anterior hand involvement; Myofibrillar myopathy 5; Hypertrophic cardiomyopathy 26. Last evaluated: 2025-09-15. Review status: criteria provided, single submitter. Criteria: Invitae Variant Classification Sherloc (09022015). Collection method: clinical testing. Allele origin: germline.
Comment: This sequence change replaces aspartic acid, which is acidic and polar, with valine, which is neutral and non-polar, at codon 1855 of the FLNC protein (p.Asp1855Val). This variant is not present in population databases (gnomAD no frequency). This variant has not been reported in the literature in individuals affected with FLNC-related conditions. ClinVar contains an entry for this variant (Variation ID: 2189474). Invitae Evidence Modeling of protein sequence and biophysical properties (such as structural, functional, and spatial information, amino acid conservation, physicochemical variation, residue mobility, and thermodynamic stability) has been performed for this missense variant. However, the output from this modeling did not meet the statistical confidence thresholds required to predict the impact of this variant on FLNC protein function. In summary, the available evidence is currently insufficient to determine the role of this variant in disease. Therefore, it has been classified as a Variant of Uncertain Significance.

NM_001458.5(FLNC):c.5564A>T (p.Asp1855Val)

Genes: FLNC-AS1 (FLNC antisense RNA 1; minus strand), FLNC (filamin C; plus strand). Cytogenetic location: 7q32.1.
Variant type: single nucleotide variant.
Coding change: c.5564A>T on transcript NM_001458.5 (MANE Select); coding-DNA position 5564, A replaced by T.
Protein change: p.Asp1855Val; replaces aspartic acid 1855 with valine.
Molecular consequence: missense variant.
Genome position (GRCh38, 1-based): chr7:128,851,256, A>T. VCF-style: chr7-128851256-A-T. GRCh37 (hg19) VCF-style: chr7-128491310-A-T.
Other names: c.5465A>T, p.Asp1822Val (NM_001127487.2); short protein forms D1822V, D1855V.
Identifiers: ClinVar variation 2189474 (VCV002189474.4), dbSNP rs1292152324, ClinGen allele CA369207280.
Genomic context (GRCh38, chr7:128,851,256, plus strand): 5'-ATGCTGACCCAGCCCCCTTTTTCTCTGTATCCCCAGGGAGCCCCTTACAGTTCTATGTGG[A>T]TGCCATCAACAGCCGCCATGTCAGTGCCTATGGGCCAGGCCTGAGCCATGGCATGGTCAA-3'
Protein context (NP_001449.3, residues 1845-1865): IPGSPLQFYV[Asp1855Val]AINSRHVSAY